The following is an entry in ClinVar:

NM_001012720.2(RGR):c.*65A>G

Gene: RGR (retinal G protein coupled receptor; plus strand). Cytogenetic location: 10q23.1.
Variant type: single nucleotide variant.
Coding change: c.*65A>G on transcript NM_001012720.2 (MANE Select); 65 bases downstream of the stop codon, A replaced by G.
Molecular consequence: 3 prime UTR variant.
Genome position (GRCh38, 1-based): chr10:84,258,704, A>G. VCF-style: chr10-84258704-A-G. GRCh37 (hg19) VCF-style: chr10-86018460-A-G.
Other names: c.*65A>G (NM_001012722.2, NM_002921.4).
Identifiers: ClinVar variation 301323 (VCV000301323.6), dbSNP rs3526, ClinGen allele CA10629314.

ClinVar aggregate classification (germline): Benign. Review status: criteria provided, multiple submitters, no conflicts (2 of 4 stars). 2 submissions from 2 submitters: Benign (2). Last evaluated 2018-01-13.

Conditions:
Retinitis pigmentosa (RP). Identifiers: Orphanet 791, MedGen C0035334, MeSH D012174, MONDO:0019200, OMIM 268000. Inheritance: Autosomal dominant, autosomal recessive and X linked inheritance.

Allele frequency attached by ClinVar (database versions not stated): 1000 Genomes Project 0.17792; 1000 Genomes Project 30x 0.18129; TOPMed 0.21064; gnomAD 0.21384 and 0.21588; gnomAD exomes 0.23633.
gnomAD v4.1: 376,197 of 1,607,596 alleles (23%); highest among the groups gnomAD compares: Admixed American, 27%; 45,479 homozygotes.

Submissions (2):

Illumina Laboratory Services, Illumina
Classification: Benign for Retinitis pigmentosa. Last evaluated: 2018-01-13. Review status: criteria provided, single submitter. Criteria: ICSL Variant Classification Criteria 13 December 2019. Collection method: clinical testing. Allele origin: germline.
Comment: This variant was observed in the ICSL laboratory as part of a predisposition screen in an ostensibly healthy population. It had not been previously curated by ICSL or reported in the Human Gene Mutation Database (HGMD: prior to June 1st, 2018), and was therefore a candidate for classification through an automated scoring system. Utilizing variant allele frequency, disease prevalence and penetrance estimates, and inheritance mode, an automated score was calculated to assess if this variant is too frequent to cause the disease. Based on the score and internal cut-off values, a variant classified as benign is not then subjected to further curation. The score for this variant resulted in a classification of benign for this disease.

Breakthrough Genomics
Classification: Benign. Review status: criteria provided, single submitter. Criteria: ACMG Guidelines, 2015. Collection method: not provided. Allele origin: germline. Inheritance: Unknown mechanism. Affected: yes.